The following is an entry in ClinVar:

ClinVar aggregate classification (germline): Pathogenic/Likely pathogenic. Review status: criteria provided, multiple submitters, no conflicts (2 of 4 stars). 4 submissions from 4 submitters: Pathogenic (2); Likely pathogenic (1). 1 of the submissions does not count toward it. Last evaluated 2023-07-17.

Conditions:
FLNB-related disorder. Also called: FLNB-related condition; FLNB-related disorders. Identifiers: MedGen CN381095.
Spondylocarpotarsal synostosis syndrome (SCT). Also called: Synspondylism congenital; Scoliosis, congenital with unilateral unsegmented bar; Spondylocarpotarsal Synostosis Syndrome (FLNB-SCT); SPONDYLOCARPOTARSAL SYNDROME; VERTEBRAL FUSION WITH CARPAL COALITION. Identifiers: Orphanet 3275, MedGen C1848934, MONDO:0010094, OMIM 272460.

Submissions (4):

Victorian Clinical Genetics Services, Murdoch Childrens Research Institute
Classification: Pathogenic for Spondylocarpotarsal synostosis syndrome. Last evaluated: 2023-07-17. Review status: criteria provided, single submitter. Criteria: ACMG Guidelines, 2015. Collection method: clinical testing. Allele origin: germline. Inheritance: Autosomal recessive inheritance. Affected: yes.
Comment: Based on the classification scheme VCGS_Germline_v1.3.4, this variant is classified as Pathogenic. Following criteria are met: 0103 - Both loss- and gain-of-function are known mechanisms of disease for this gene. Protein-truncating or nonsense mediated decay (NMD) predicted variants are associated with a loss-of-function mechanism, and missense and small in-frame deletion or insertion variants are associated with a gain-of-function mechanism (PMID: 29566257, 22190451, 31836586). (I) 0108 - This gene is known to be associated with both recessive and dominant disease. The recessive condition is caused by biallelic loss-of-function variants and is associated with spondylocarpotarsal synostosis syndrome (MIM#272460). The autosomal dominant FLNB-related disorders (MIM#108720, MIM#108721, MIM#112310, MIM#150250) are mostly caused by gain-of-function variants (PMIDs: 29566257, 22190451). (I) 0201 - Variant is predicted to cause nonsense-mediated decay (NMD) and loss of protein (premature termination codon is located at least 54 nucleotides upstream of the final exon-exon junction). (SP) 0251 - This variant is heterozygous. (I) 0304 - Variant is present in gnomAD (v2) <0.01 for a recessive condition (2 heterozygotes, 0 homozygotes). (SP) 0701 - Other NMD-predicted variants comparable to the one identified in this case have very strong previous evidence for pathogenicity. These variants have been reported many times as pathogenic, and observed in patients with spondylocarpotarsal synostosis syndrome (DECIPHER, PMID: 33407338). (SP) 0803 - This variant has limited previous evidence of pathogenicity in an unrelated individual. This variant has been reported as pathogenic, and observed in a family with spondylocarpotarsal synostosis syndrome (ClinVar, PMID:29566257). (SP) 1208 - Inheritance information for this variant is not currently available in this individual. (I) Legend: (SP) - Supporting pathogenic, (I) - Information, (SB) - Supporting benign

Blueprint Genetics
Classification: Likely pathogenic for FLNB-related disorders. Last evaluated: 2021-12-31. Review status: criteria provided, single submitter. Criteria: ACMG Guidelines, 2015. Collection method: clinical testing. Allele origin: germline. Affected: yes. Observed: 1 variant allele.

Kasturba Medical College, Manipal, Kasturba Medical College, Manipal, Manipal Academy of Higher Education, Manipal, India
Classification: Pathogenic for Spondylocarpotarsal synostosis syndrome. Review status: criteria provided, single submitter. Criteria: ACMG Guidelines, 2015. Collection method: clinical testing. Allele origin: inherited. Affected: yes.

OMIM
Classification: Pathogenic for SPONDYLOCARPOTARSAL SYNOSTOSIS SYNDROME. Last evaluated: 2019-06-05. Review status: no assertion criteria provided. Collection method: literature only. Allele origin: germline. Not counted in ClinVar's aggregate classification.

Literature cited by the submitters: PubMed 22190451 (cited by Victorian Clinical Genetics Services, Murdoch Childrens Research Institute); PubMed 29566257 (cited by Victorian Clinical Genetics Services, Murdoch Childrens Research Institute and OMIM); PubMed 31836586 (cited by Victorian Clinical Genetics Services, Murdoch Childrens Research Institute); PubMed 33407338 (cited by Victorian Clinical Genetics Services, Murdoch Childrens Research Institute).

NM_001457.4(FLNB):c.1592dup (p.His532fs)

Gene: FLNB (filamin B; plus strand). Cytogenetic location: 3p14.3.
Variant type: Duplication.
Coding change: c.1592dup on transcript NM_001457.4 (MANE Select); coding-DNA position 1592, one base duplicated (G; older notation c.1592dupG).
Protein change: p.His532fs; shifts the reading frame from histidine 532.
Molecular consequence: frameshift variant.
Genome position (GRCh38, 1-based): chr3:58,104,067, G duplicated; the last of 7 consecutive G bases (chr3:58,104,061-58,104,067); duplicating any one gives the same sequence. VCF-style (leftmost placement, unchanged base first): chr3-58104060-T-TG. GRCh37 (hg19) VCF-style: chr3-58089787-T-TG.
Other names: c.1592dup, p.His532fs (NM_001164317.2, NM_001164318.2, NM_001164319.2); c.1592dupG (NM_001164317.1, NM_001457.3); short protein forms H532fs.
Identifiers: ClinVar variation 633651 (VCV000633651.5), dbSNP rs746105983, ClinGen allele CA2467850.
Genomic context (GRCh38, chr3:58,104,060, plus strand): 5'-GGGGTCTACGCATTCGAGTATTACCCCAGCACCCCGGGGAGATACAGCATTGCCATCACA[T>TG]GGGGGGGACACCACATTCCAAAGAGGTGAGGCTCCTGCTGCAGAGGGGTCTTCTCTGGAG-3'